The following is an entry in ClinVar:

ClinVar aggregate classification (germline): Uncertain significance (1 of 4 stars; one submission).

Conditions:
CARD14-related disorder. Also called: CARD14-related condition.

Submission:

PreventionGenetics, part of Exact Sciences
Classification: Uncertain significance for CARD14-related condition. Last evaluated: 2022-12-01. Review status: criteria provided, single submitter. Criteria: ACMG Guidelines, 2015. Collection method: clinical testing. Allele origin: germline.
Comment: The CARD14 c.2663G>C variant is predicted to result in the amino acid substitution p.Arg888Pro. To our knowledge, this variant has not been reported in the literature or in a large population database, indicating this variant is rare. At this time, the clinical significance of this variant is uncertain due to the absence of conclusive functional and genetic evidence.

NM_001366385.1(CARD14):c.2663G>C (p.Arg888Pro)

Genes: CARD14 (caspase recruitment domain family member 14; plus strand), SGSH (N-sulfoglucosamine sulfohydrolase; minus strand), LOC126862662 (MED14-independent group 3 enhancer GRCh37_chr17:78178385-78179584; plus strand). Cytogenetic location: 17q25.3.
Variant type: single nucleotide variant.
Coding change: c.2663G>C on transcript NM_001366385.1 (MANE Select); coding-DNA position 2663, G replaced by C.
Protein change: p.Arg888Pro; replaces arginine 888 with proline.
Molecular consequence: missense variant. On other transcripts: non-coding transcript variant (1).
Genome position (GRCh38, 1-based): chr17:80,205,624, G>C. VCF-style: chr17-80205624-G-C. GRCh37 (hg19) VCF-style: chr17-78179423-G-C.
Other names: c.2663G>C, p.Arg888Pro (NM_024110.4); short protein forms R888P.
Identifiers: ClinVar variation 2635206 (VCV002635206.1), dbSNP rs965855312, ClinGen allele CA401356446.